The following is an entry in ClinVar:

NM_001277115.2(DNAH11):c.2500G>A (p.Val834Met)

Gene: DNAH11 (dynein axonemal heavy chain 11; plus strand). Cytogenetic location: 7p15.3.
Variant type: single nucleotide variant.
Coding change: c.2500G>A on transcript NM_001277115.2 (MANE Select); coding-DNA position 2500, G replaced by A.
Protein change: p.Val834Met; replaces valine 834 with methionine.
Molecular consequence: missense variant.
Genome position (GRCh38, 1-based): chr7:21,591,410, G>A. VCF-style: chr7-21591410-G-A. GRCh37 (hg19) VCF-style: chr7-21631028-G-A.
Other names: p.Val834Met; short protein forms V834M.
Identifiers: ClinVar variation 977588 (VCV000977588.22), dbSNP rs368578923, ClinGen allele CA4179357.
Genomic context (GRCh38, chr7:21,591,410, plus strand): 5'-GAGAGGGTGAGGGCAGCCACGTCCGAGTTGGAGCACAGAGTTGAGCGCACACAGAAAAAC[G>A]TGAAGGTGATCCAGCAGACCATGAGGGGCTGGGCCAGGTGCGTGCTACCTCCCAGGAGAG-3'
Protein context (NP_001264044.1, residues 824-844): EHRVERTQKN[Val834Met]KVIQQTMRGW

ClinVar aggregate classification (germline): Conflicting classifications of pathogenicity. Review status: criteria provided, conflicting classifications (1 of 4 stars). 4 submissions from 4 submitters: Uncertain significance (3); Likely benign (1). Last evaluated 2026-01-17.

Conditions:
Primary ciliary dyskinesia. Also called: Ciliary dyskinesia. Identifiers: Orphanet 244, MedGen C0008780, MONDO:0016575, HP:0012265.

Allele frequency attached by ClinVar (database versions not stated): gnomAD 0.00009 and 0.00010; TOPMed 0.00011; ExAC 0.00014; ESP Exome Variant Server 0.00024.
gnomAD v4.1: 283 of 1,613,818 alleles (0.018%); highest among the groups gnomAD compares: Non-Finnish European, 0.023%; no homozygotes.

Submissions (4):

Labcorp Genetics (formerly Invitae), Labcorp
Classification: Likely benign for Primary ciliary dyskinesia. Last evaluated: 2026-01-17. Review status: criteria provided, single submitter. Criteria: Invitae Variant Classification Sherloc (09022015). Collection method: clinical testing. Allele origin: germline.

Mayo Clinic Laboratories, Mayo Clinic
Classification: Uncertain significance. Last evaluated: 2023-02-23. Review status: criteria provided, single submitter. Criteria: ACMG Guidelines, 2015. Collection method: clinical testing. Allele origin: germline. Observed: 1 variant allele.
Comment: BP4

Ambry Genetics
Classification: Uncertain significance for Primary ciliary dyskinesia. Last evaluated: 2021-07-09. Review status: criteria provided, single submitter. Criteria: Ambry Variant Classification Scheme 2023. Collection method: clinical testing. Allele origin: germline.

UNC Molecular Genetics  Laboratory, University of North Carolina at Chapel Hill
Classification: Uncertain significance for Primary ciliary dyskinesia. Last evaluated: 2019-04-18. Review status: criteria provided, single submitter. Criteria: ACMG Guidelines, 2015. Collection method: clinical testing. Allele origin: germline. Affected: no. Observed: 1 heterozygote.